The following is an entry in ClinVar:

ClinVar aggregate classification (germline): Uncertain significance. Review status: criteria provided, multiple submitters, no conflicts (2 of 4 stars). 5 submissions from 5 submitters: Uncertain significance (5). Last evaluated 2025-12-03.

Conditions:
Cardiomyopathy (CMYO). Also called: Cardiomyopathies. Identifiers: Orphanet 167848, MedGen C0878544, MONDO:0004994, HP:0001638. Inheritance: Various modes of inheritance.
Cardiovascular phenotype. Identifiers: MedGen CN230736.
Hypertrophic cardiomyopathy. Also called: HYPERTROPHIC MYOCARDIOPATHY. Identifiers: Orphanet 217569, MedGen C0007194, MeSH D002312, MONDO:0005045, HP:0001639.

Allele frequency attached by ClinVar (database versions not stated): gnomAD 0.00003 and 0.00004; TOPMed 0.00003; ESP Exome Variant Server 0.00008.
gnomAD v4.1: 36 of 1,603,030 alleles (0.0022%); highest among the groups gnomAD compares: Non-Finnish European, 0.0028%; no homozygotes.

Submissions (5):

Labcorp Genetics (formerly Invitae), Labcorp
Classification: Uncertain significance for Hypertrophic cardiomyopathy. Last evaluated: 2025-12-03. Review status: criteria provided, single submitter. Criteria: Invitae Variant Classification Sherloc (09022015). Collection method: clinical testing. Allele origin: germline.
Comment: This sequence change replaces alanine, which is neutral and non-polar, with proline, which is neutral and non-polar, at codon 686 of the MYBPC3 protein (p.Ala686Pro). This variant is present in population databases (rs367992212, gnomAD 0.004%). This missense change has been observed in individual(s) with hypertrophic cardiomyopathy (PMID: 33782553). ClinVar contains an entry for this variant (Variation ID: 576612). An algorithm developed to predict the effect of missense changes on protein structure and function (PolyPhen-2) suggests that this variant is likely to be disruptive. In summary, the available evidence is currently insufficient to determine the role of this variant in disease. Therefore, it has been classified as a Variant of Uncertain Significance.

Color Diagnostics, LLC DBA Color Health
Classification: Uncertain significance for Cardiomyopathy. Last evaluated: 2025-04-01. Review status: criteria provided, single submitter. Criteria: ACMG Guidelines, 2015. Collection method: clinical testing. Allele origin: germline.
Comment: This missense variant replaces alanine with proline at codon 686 of the MYBPC3 protein. Computational prediction suggests that this variant may not impact protein structure and function. To our knowledge, functional studies have not been reported for this variant. This variant has been reported in an individual affected with hypertrophic cardiomyopathy (PMID: 30297972, 33782553). This variant has been identified in 2/264986 chromosomes in the general population by the Genome Aggregation Database (gnomAD). The available evidence is insufficient to determine the role of this variant in disease conclusively. Therefore, this variant is classified as a Variant of Uncertain Significance.

Mayo Clinic Laboratories, Mayo Clinic
Classification: Uncertain significance. Last evaluated: 2023-10-04. Review status: criteria provided, single submitter. Criteria: ACMG Guidelines, 2015. Collection method: clinical testing. Allele origin: germline. Observed: 1 variant allele.
Comment: BP4

All of Us Research Program, National Institutes of Health
Classification: Uncertain significance for Hypertrophic cardiomyopathy. Last evaluated: 2023-06-08. Review status: criteria provided, single submitter. Criteria: ACMG Guidelines, 2015. Collection method: clinical testing. Allele origin: germline. Inheritance: Autosomal dominant inheritance. Observed: 3 variant alleles, 3 heterozygotes.
Comment: This missense variant replaces alanine with proline at codon 686 of the MYBPC3 protein. Computational prediction suggests that this variant may not impact protein structure and function (internally defined REVEL score threshold <= 0.5, PMID: 27666373). Splice site prediction tools suggest that this variant may not impact RNA splicing. To our knowledge, functional studies have not been performed for this variant. This variant has not been reported in individuals affected with cardiovascular disorders in the literature. This variant has been identified in 2/264986 chromosomes in the general population by the Genome Aggregation Database (gnomAD). The available evidence is insufficient to determine the role of this variant in disease conclusively. Therefore, this variant is classified as a Variant of Uncertain Significance.

This study involves interpretation of variants in research participants for the purpose of population health screening. Participant phenotype was not available at the time of variant classification. Additional details can be found in publication PMID: 35346344, PMCID: PMC8962531

Ambry Genetics
Classification: Uncertain significance for Cardiovascular phenotype. Last evaluated: 2022-06-29. Review status: criteria provided, single submitter. Criteria: Ambry Variant Classification Scheme 2023. Collection method: clinical testing. Allele origin: germline.
Comment: The p.A686P variant (also known as c.2056G>C), located in coding exon 21 of the MYBPC3 gene, results from a G to C substitution at nucleotide position 2056. The alanine at codon 686 is replaced by proline, an amino acid with highly similar properties. This alteration has been reported in a hypertrophic cardiomyopathy (HCM) cohort; however, clinical details were limited (Ho CY et al. Circulation, 2018 10;138:1387-1398). This amino acid position is poorly conserved in available vertebrate species. In addition, this alteration is predicted to be tolerated by in silico analysis. Since supporting evidence is limited at this time, the clinical significance of this alteration remains unclear.

Literature cited by the submitters: PubMed 33782553 (cited by 3 submitters); PubMed 30297972 (cited by 3 submitters).

NM_000256.3(MYBPC3):c.2056G>C (p.Ala686Pro)

Gene: MYBPC3 (myosin binding protein C3; minus strand). Cytogenetic location: 11p11.2.
Variant type: single nucleotide variant.
Coding change: c.2056G>C on transcript NM_000256.3 (MANE Select); coding-DNA position 2056, G replaced by C.
Protein change: p.Ala686Pro; replaces alanine 686 with proline.
Molecular consequence: missense variant.
Genome position (GRCh38, 1-based): chr11:47,339,662, C>G on the plus strand (G>C on the coding strand, the complement: MYBPC3 is on the minus strand). VCF-style: chr11-47339662-C-G. GRCh37 (hg19) VCF-style: chr11-47361213-C-G.
Other names: p.Ala686Pro; c.2056G>C, p.Ala686Pro (LRG_386t1); short protein forms A686P.
Identifiers: ClinVar variation 576612 (VCV000576612.14), dbSNP rs367992212, ClinGen allele CA078493.